The following is an entry in ClinVar:

NM_001365951.3(KIF1B):c.3628A>G (p.Asn1210Asp)

Gene: KIF1B (kinesin family member 1B; plus strand). Cytogenetic location: 1p36.22.
Variant type: single nucleotide variant.
Coding change: c.3628A>G on transcript NM_001365951.3 (MANE Select); coding-DNA position 3628, A replaced by G.
Protein change: p.Asn1210Asp; replaces asparagine 1210 with aspartic acid.
Molecular consequence: missense variant.
Genome position (GRCh38, 1-based): chr1:10,342,164, A>G. VCF-style: chr1-10342164-A-G. GRCh37 (hg19) VCF-style: chr1-10402222-A-G.
Other names: c.3628A>G, p.Asn1210Asp (NM_001365952.1); c.3490A>G, p.Asn1164Asp (NM_015074.3); short protein forms N1164D, N1210D.
Identifiers: ClinVar variation 1998261 (VCV001998261.4), dbSNP rs779559577, ClinGen allele CA338341966.

ClinVar aggregate classification (germline): Uncertain significance (1 of 4 stars; one submission).

Conditions:
Charcot-Marie-Tooth disease type 2. Also called: Charcot-Marie-Tooth type 2. Identifiers: Orphanet 64746, MedGen C0270914, MONDO:0018993.

Submission:

Labcorp Genetics (formerly Invitae), Labcorp
Classification: Uncertain significance for Charcot-Marie-Tooth disease type 2. Last evaluated: 2022-05-24. Review status: criteria provided, single submitter. Criteria: Invitae Variant Classification Sherloc (09022015). Collection method: clinical testing. Allele origin: germline.
Comment: This variant is not present in population databases (gnomAD no frequency). In summary, the available evidence is currently insufficient to determine the role of this variant in disease. Therefore, it has been classified as a Variant of Uncertain Significance. Algorithms developed to predict the effect of sequence changes on RNA splicing suggest that this variant may create or strengthen a splice site. Algorithms developed to predict the effect of missense changes on protein structure and function (SIFT, PolyPhen-2, Align-GVGD) all suggest that this variant is likely to be tolerated. This variant has not been reported in the literature in individuals affected with KIF1B-related conditions. This sequence change replaces asparagine, which is neutral and polar, with aspartic acid, which is acidic and polar, at codon 1164 of the KIF1B protein (p.Asn1164Asp).